The following is an entry in ClinVar:

NM_001184880.2(PCDH19):c.676A>G (p.Ile226Val)

Gene: PCDH19 (protocadherin 19; minus strand). Cytogenetic location: Xq22.1.
Variant type: single nucleotide variant.
Coding change: c.676A>G on transcript NM_001184880.2 (MANE Select); coding-DNA position 676, A replaced by G.
Protein change: p.Ile226Val; replaces isoleucine 226 with valine.
Molecular consequence: missense variant.
Genome position (GRCh38, 1-based): chrX:100,407,922, T>C on the plus strand (A>G on the coding strand, the complement: PCDH19 is on the minus strand). VCF-style: chrX-100407922-T-C. GRCh37 (hg19) VCF-style: chrX-99662920-T-C.
Other names: c.676A>G, p.Ile226Val (NM_001105243.2, NM_020766.3); short protein forms I226V.
Identifiers: ClinVar variation 1030146 (VCV001030146.1), dbSNP rs1248114037, ClinGen allele CA414008725.
Genomic context (GRCh38, chrX:100,407,922, plus strand): 5'-TCACCGCGTAGGTGGACTCGCTAAACACCGGGTTGTTGTCATTGGAGTCGGTCACCTTGA[T>C]ACTAAGGCCAACGGTGCCCAGGCGCGGCGGGTCGCCACCGTCTAGCGCAGTGATTCGGAA-3'
Protein context (NP_001171809.1, residues 216-236): PPRLGTVGLS[Ile226Val]KVTDSNDNNP

ClinVar aggregate classification (germline): Uncertain significance (1 of 4 stars; one submission).

Conditions:
Developmental and epileptic encephalopathy, 9 (DEE9). Also called: Early infantile epileptic encephalopathy 9; PCDH19-Related X-Linked Female-Limited Epilepsy with Mental Retardation; JUBERG-HELLMAN SYNDROME; EPILEPSY, FEMALE-RESTRICTED, WITH MENTAL RETARDATION. Identifiers: Orphanet 101039, Orphanet 2076, MedGen C1848137, MONDO:0010246, OMIM 300088. Disease mechanism: loss of function.

Allele frequency attached by ClinVar (database versions not stated): TOPMed 0.00002 and 0.00001.

Submission:

Baylor Genetics
Classification: Uncertain significance for Developmental and epileptic encephalopathy, 9. Last evaluated: 2020-02-12. Review status: criteria provided, single submitter. Criteria: ACMG Guidelines, 2015. Collection method: clinical testing. Allele origin: unknown. Affected: yes.
Comment: This variant was determined to be of uncertain significance according to ACMG Guidelines, 2015 [PMID:25741868].